The following is an entry in ClinVar:

NM_001037.5(SCN1B):c.448+316T>C

Gene: SCN1B (sodium voltage-gated channel beta subunit 1; plus strand). Cytogenetic location: 19q13.11.
Variant type: single nucleotide variant.
Coding change: c.448+316T>C on transcript NM_001037.5 (MANE Select); 316 bases into the intron after coding-DNA position 448, T replaced by C.
Molecular consequence: intron variant. On other transcripts: missense variant (1).
Genome position (GRCh38, 1-based): chr19:35,034,055, T>C. VCF-style: chr19-35034055-T-C. GRCh37 (hg19) VCF-style: chr19-35524959-T-C.
Other names: c.764T>C, p.Leu255Ser (NM_199037.5); c.349+316T>C (NM_001321605.2); short protein forms L255S.
Identifiers: ClinVar variation 1514339 (VCV001514339.6), dbSNP rs2151746709, ClinGen allele CA405329803.

ClinVar aggregate classification (germline): Uncertain significance (1 of 4 stars; one submission).

Conditions:
Brugada syndrome 5 (BRGDA5). Identifiers: Orphanet 130, Orphanet 871, MedGen C2748541, MONDO:0013015, OMIM 612838.

Submission:

Labcorp Genetics (formerly Invitae), Labcorp
Classification: Uncertain significance for Brugada syndrome 5. Last evaluated: 2021-09-08. Review status: criteria provided, single submitter. Criteria: Invitae Variant Classification Sherloc (09022015). Collection method: clinical testing. Allele origin: germline.
Comment: This sequence change replaces leucine with serine at codon 255 of the SCN1B protein (p.Leu255Ser). The leucine residue is highly conserved and there is a large physicochemical difference between leucine and serine. This variant is not present in population databases (ExAC no frequency). This variant has not been reported in the literature in individuals affected with SCN1B-related conditions. Algorithms developed to predict the effect of missense changes on protein structure and function output the following: SIFT: "Deleterious"; PolyPhen-2: "Benign"; Align-GVGD: "Class C0". The serine amino acid residue is found in multiple mammalian species, which suggests that this missense change does not adversely affect protein function. In summary, the available evidence is currently insufficient to determine the role of this variant in disease. Therefore, it has been classified as a Variant of Uncertain Significance.